The following is an entry in ClinVar:

ClinVar aggregate classification (germline): Benign. Review status: criteria provided, multiple submitters, no conflicts (2 of 4 stars). 4 submissions from 4 submitters: Benign (3). 1 of the submissions does not count toward it. Last evaluated 2021-12-05.

Conditions:
ZNF462-related disorder. Also called: ZNF462-related condition; ZNF462 related disease.
Weiss-Kruszka syndrome. Also called: Metopic ridging-ptosis-facial dysmorphism syndrome. Identifiers: Orphanet 502430, MedGen C5568107, MONDO:0032836, OMIM 618619.

Allele frequency attached by ClinVar (database versions not stated): 1000 Genomes Project 30x 0.10025; 1000 Genomes Project 0.10363; TOPMed 0.10544; ESP Exome Variant Server 0.10664; gnomAD 0.10834 and 0.11138; gnomAD exomes 0.13116 and 0.14347; ExAC 0.13314.
gnomAD v4.1: 226,312 of 1,613,674 alleles (14%); highest among the groups gnomAD compares: South Asian, 18%; 16,637 homozygotes.

Submissions (4):

Genome-Nilou Lab
Classification: Benign for Weiss-Kruszka syndrome. Last evaluated: 2021-12-05. Review status: criteria provided, single submitter. Criteria: ACMG Guidelines, 2015. Collection method: clinical testing. Allele origin: germline. Affected: no.

GeneDx
Classification: Benign. Last evaluated: 2021-11-24. Review status: criteria provided, single submitter. Criteria: GeneDx Variant Classification Process June 2021. Collection method: clinical testing. Allele origin: germline. Affected: yes.

Breakthrough Genomics
Classification: Benign. Review status: criteria provided, single submitter. Criteria: ACMG Guidelines, 2015. Collection method: not provided. Allele origin: germline. Inheritance: Autosomal dominant inheritance. Affected: yes.

PreventionGenetics, part of Exact Sciences
Classification: Benign for ZNF462-related condition. Last evaluated: 2020-06-19. Review status: no assertion criteria provided. Collection method: clinical testing. Allele origin: germline. Not counted in ClinVar's aggregate classification.
Comment: This variant is classified as benign based on ACMG/AMP sequence variant interpretation guidelines (Richards et al. 2015 PMID: 25741868, with internal and published modifications).

NM_021224.6(ZNF462):c.3559C>T (p.Pro1187Ser)

Gene: ZNF462 (zinc finger protein 462; plus strand). Cytogenetic location: 9q31.2.
Variant type: single nucleotide variant.
Coding change: c.3559C>T on transcript NM_021224.6 (MANE Select); coding-DNA position 3559, C replaced by T.
Protein change: p.Pro1187Ser; replaces proline 1187 with serine.
Molecular consequence: missense variant. On other transcripts: intron variant (1).
Genome position (GRCh38, 1-based): chr9:106,927,471, C>T. VCF-style: chr9-106927471-C-T. GRCh37 (hg19) VCF-style: chr9-109689752-C-T.
Other names: c.3559C>T (NM_021224.5); c.3252+307C>T (NM_001347997.2); short protein forms P1187S.
Identifiers: ClinVar variation 1326576 (VCV001326576.6), dbSNP rs3814541, ClinGen allele CA5171686.